The following is an entry in ClinVar:

ClinVar aggregate classification (germline): Uncertain significance (1 of 4 stars; one submission).

Conditions:
Primary familial hypertrophic cardiomyopathy (HCM). Identifiers: Orphanet 99739, MedGen C0949658, MeSH D024741, MONDO:0024573. Inheritance: Various modes of inheritance.
Dilated cardiomyopathy 1AA (CMD1AA). Also called: CARDIOMYOPATHY, DILATED, 1AA, WITH OR WITHOUT LEFT VENTRICULAR NONCOMPACTION; CARDIOMYOPATHY, FAMILIAL HYPERTROPHIC, 23, WITH OR WITHOUT LEFT VENTRICULAR NONCOMPACTION; Cardiomyopathy, dilated, 1AA, with or without LVNC. Identifiers: Orphanet 154, MedGen C2677338, MONDO:0012808, OMIM 612158.

Submission:

Labcorp Genetics (formerly Invitae), Labcorp
Classification: Uncertain significance for Primary familial hypertrophic cardiomyopathy; Dilated cardiomyopathy 1AA. Last evaluated: 2023-07-26. Review status: criteria provided, single submitter. Criteria: Invitae Variant Classification Sherloc (09022015). Collection method: clinical testing. Allele origin: germline.
Comment: In summary, the available evidence is currently insufficient to determine the role of this variant in disease. Therefore, it has been classified as a Variant of Uncertain Significance. Advanced modeling of protein sequence and biophysical properties (such as structural, functional, and spatial information, amino acid conservation, physicochemical variation, residue mobility, and thermodynamic stability) performed at Invitae indicates that this missense variant is not expected to disrupt ACTN2 protein function. This variant has not been reported in the literature in individuals affected with ACTN2-related conditions. This variant is not present in population databases (gnomAD no frequency). This sequence change replaces valine, which is neutral and non-polar, with isoleucine, which is neutral and non-polar, at codon 707 of the ACTN2 protein (p.Val707Ile).

NM_001103.4(ACTN2):c.2119G>A (p.Val707Ile)

Gene: ACTN2 (actinin alpha 2; plus strand). Cytogenetic location: 1q43.
Variant type: single nucleotide variant.
Coding change: c.2119G>A on transcript NM_001103.4 (MANE Select); coding-DNA position 2119, G replaced by A.
Protein change: p.Val707Ile; replaces valine 707 with isoleucine.
Molecular consequence: missense variant. On other transcripts: non-coding transcript variant (1).
Genome position (GRCh38, 1-based): chr1:236,755,163, G>A. VCF-style: chr1-236755163-G-A. GRCh37 (hg19) VCF-style: chr1-236918463-G-A.
Other names: c.2119G>A, p.Val707Ile (NM_001278343.2); c.1495G>A, p.Val499Ile (NM_001278344.2); c.1369G>A, p.Val457Ile (NM_001412150.1); short protein forms V457I, V499I, V707I.
Identifiers: ClinVar variation 2931488 (VCV002931488.3), dbSNP rs1659517541, ClinGen allele CA345387708.